The following is an entry in ClinVar:

ClinVar aggregate classification (germline): Uncertain significance. Review status: criteria provided, multiple submitters, no conflicts (2 of 4 stars). 4 submissions from 4 submitters: Uncertain significance (4). Last evaluated 2025-03-03.

Conditions:
Neuronal ceroid lipofuscinosis 11. Also called: GRN-Related Neuronal Ceroid-Lipofuscinosis. Identifiers: Orphanet 314629, Orphanet 79262, MedGen C3539123, MONDO:0013866, OMIM 614706.
GRN-related frontotemporal lobar degeneration with Tdp43 inclusions (FTD2). Also called: GRN Frontotemporal Dementia; FRONTOTEMPORAL DEMENTIA WITH TDP43 INCLUSIONS, GRN-RELATED; DEMENTIA, HEREDITARY DYSPHASIC DISINHIBITION; FRONTOTEMPORAL LOBAR DEGENERATION WITH UBIQUITIN-POSITIVE INCLUSIONS; FTLD-TDP, GRN-RELATED. Identifiers: Orphanet 100070, Orphanet 282, MedGen C1843792, MONDO:0011842, OMIM 607485. Disease mechanism: loss of function.

Allele frequency attached by ClinVar (database versions not stated): gnomAD exomes 0.00002; TOPMed 0.00002; gnomAD 0.00001; ExAC 0.00002.

Submissions (4):

Labcorp Genetics (formerly Invitae), Labcorp
Classification: Uncertain significance for Neuronal ceroid lipofuscinosis 11; GRN-related frontotemporal lobar degeneration with Tdp43 inclusions. Last evaluated: 2025-03-03. Review status: criteria provided, single submitter. Criteria: Invitae Variant Classification Sherloc (09022015). Collection method: clinical testing. Allele origin: germline.
Comment: This sequence change replaces valine, which is neutral and non-polar, with methionine, which is neutral and non-polar, at codon 8 of the GRN protein (p.Val8Met). This variant is present in population databases (rs774367010, gnomAD 0.01%). This missense change has been observed in individual(s) with frontotemporal lobar degeneration) (PMID: 35258170). ClinVar contains an entry for this variant (Variation ID: 594636). An algorithm developed to predict the effect of missense changes on protein structure and function (PolyPhen-2) suggests that this variant is likely to be disruptive. In summary, the available evidence is currently insufficient to determine the role of this variant in disease. Therefore, it has been classified as a Variant of Uncertain Significance.

Fulgent Genetics
Classification: Uncertain significance for GRN-related frontotemporal lobar degeneration with Tdp43 inclusions; Neuronal ceroid lipofuscinosis 11. Last evaluated: 2021-12-10. Review status: criteria provided, single submitter. Criteria: ACMG Guidelines, 2015. Collection method: clinical testing. Allele origin: unknown.

CeGaT Center for Human Genetics Tuebingen
Classification: Uncertain significance. Last evaluated: 2018-11-01. Review status: criteria provided, single submitter. Criteria: CeGaT Center For Human Genetics Tuebingen Variant Classification Criteria Version 2. Collection method: clinical testing. Allele origin: germline. Affected: yes. Observed: 1 variant allele.

Eurofins Ntd Llc (ga)
Classification: Uncertain significance. Last evaluated: 2017-11-14. Review status: criteria provided, single submitter. Criteria: EGL Classification Definitions 2015. Collection method: clinical testing. Allele origin: germline. Observed: 1 variant allele, 1 heterozygote.

Literature cited by the submitters: PubMed 35258170 (cited by Labcorp Genetics (formerly Invitae), Labcorp).

NM_002087.4(GRN):c.22G>A (p.Val8Met)

Gene: GRN (granulin precursor; plus strand). Cytogenetic location: 17q21.31.
Variant type: single nucleotide variant.
Coding change: c.22G>A on transcript NM_002087.4 (MANE Select); coding-DNA position 22, G replaced by A.
Protein change: p.Val8Met; replaces valine 8 with methionine.
Molecular consequence: missense variant.
Genome position (GRCh38, 1-based): chr17:44,349,186, G>A. VCF-style: chr17-44349186-G-A. GRCh37 (hg19) VCF-style: chr17-42426554-G-A.
Other names: short protein forms V8M.
Identifiers: ClinVar variation 594636 (VCV000594636.49), dbSNP rs774367010, ClinGen allele CA8601731.